The following is an entry in ClinVar:

NM_015629.4(PRPF31):c.1297G>A (p.Val433Ile)

Gene: PRPF31 (pre-mRNA processing factor 31; plus strand). Cytogenetic location: 19q13.42.
Variant type: single nucleotide variant.
Coding change: c.1297G>A on transcript NM_015629.4 (MANE Select); coding-DNA position 1297, G replaced by A.
Protein change: p.Val433Ile; replaces valine 433 with isoleucine.
Molecular consequence: missense variant.
Genome position (GRCh38, 1-based): chr19:54,129,293, G>A. VCF-style: chr19-54129293-G-A. GRCh37 (hg19) VCF-style: chr19-54632668-G-A.
Other names: short protein forms V433I.
Identifiers: ClinVar variation 330108 (VCV000330108.10), dbSNP rs201906830, ClinGen allele CA309330849.

ClinVar aggregate classification (germline): Uncertain significance. Review status: criteria provided, multiple submitters, no conflicts (2 of 4 stars). 2 submissions from 2 submitters: Uncertain significance (2). Last evaluated 2025-09-10.

Conditions:
Retinitis pigmentosa (RP). Identifiers: Orphanet 791, MedGen C0035334, MeSH D012174, MONDO:0019200, OMIM 268000. Inheritance: Autosomal dominant, autosomal recessive and X linked inheritance.

Allele frequency attached by ClinVar (database versions not stated): ExAC 0.00003; gnomAD exomes 0.00003 and 0.00008; gnomAD 0.00006; TOPMed 0.00006; 1000 Genomes Project 30x 0.00016; 1000 Genomes Project 0.00020.

Submissions (2):

Labcorp Genetics (formerly Invitae), Labcorp
Classification: Uncertain significance. Last evaluated: 2025-09-10. Review status: criteria provided, single submitter. Criteria: Invitae Variant Classification Sherloc (09022015). Collection method: clinical testing. Allele origin: germline.
Comment: This sequence change replaces valine, which is neutral and non-polar, with isoleucine, which is neutral and non-polar, at codon 433 of the PRPF31 protein (p.Val433Ile). This variant is present in population databases (rs201906830, gnomAD 0.006%). This variant has not been reported in the literature in individuals affected with PRPF31-related conditions. ClinVar contains an entry for this variant (Variation ID: 330108). An algorithm developed to predict the effect of missense changes on protein structure and function (PolyPhen-2) suggests that this variant is likely to be tolerated. Experimental studies are conflicting or provide insufficient evidence to determine the effect of this variant on PRPF31 function (PMID: 33095315). In summary, the available evidence is currently insufficient to determine the role of this variant in disease. Therefore, it has been classified as a Variant of Uncertain Significance.

Illumina Laboratory Services, Illumina
Classification: Uncertain significance for Retinitis pigmentosa. Last evaluated: 2018-01-12. Review status: criteria provided, single submitter. Criteria: ICSL Variant Classification Criteria 13 December 2019. Collection method: clinical testing. Allele origin: germline.

Literature cited by the submitters: PubMed 33095315 (cited by Labcorp Genetics (formerly Invitae), Labcorp).